The following is an entry in ClinVar:

NM_002691.4(POLD1):c.2968C>T (p.Arg990Cys)

Gene: POLD1 (DNA polymerase delta 1, catalytic subunit; plus strand). Cytogenetic location: 19q13.33.
Variant type: single nucleotide variant.
Coding change: c.2968C>T on transcript NM_002691.4 (MANE Select); coding-DNA position 2968, C replaced by T.
Protein change: p.Arg990Cys; replaces arginine 990 with cysteine.
Molecular consequence: missense variant. On other transcripts: non-coding transcript variant (1).
Genome position (GRCh38, 1-based): chr19:50,416,624, C>T. VCF-style: chr19-50416624-C-T. GRCh37 (hg19) VCF-style: chr19-50919881-C-T.
Other names: c.2968C>T, p.Arg990Cys (NM_001256849.1); c.3046C>T, p.Arg1016Cys (NM_001308632.1); c.2968C>T (NM_002691.2); short protein forms R1016C, R990C.
Identifiers: ClinVar variation 537082 (VCV000537082.13), dbSNP rs1410415830, ClinGen allele CA406986824.

ClinVar aggregate classification (germline): Uncertain significance. Review status: criteria provided, multiple submitters, no conflicts (2 of 4 stars). 3 submissions from 3 submitters: Uncertain significance (3). Last evaluated 2025-03-09.

Conditions:
Hereditary cancer-predisposing syndrome. Also called: Tumor predisposition; Neoplastic Syndromes, Hereditary; Hereditary Cancer Syndrome; Hereditary neoplastic syndrome. Identifiers: Orphanet 140162, MedGen C0027672, MeSH D009386, MONDO:0015356.
POLD1-related polyposis and colorectal cancer syndrome (CRCS10). Also called: Colorectal cancer 10; COLORECTAL CANCER, SUSCEPTIBILITY TO, ON CHROMOSOME 19q; Colorectal cancer, susceptibility to, 10. Identifiers: Orphanet 220460, MedGen C2675481, MONDO:0012953, OMIM 612591.

gnomAD v4.1: 3 of 1,563,762 alleles (0.00019%); highest among the groups gnomAD compares: South Asian, 0.0012%; no homozygotes.

Submissions (3):

Labcorp Genetics (formerly Invitae), Labcorp
Classification: Uncertain significance for POLD1-related polyposis and colorectal cancer syndrome. Last evaluated: 2025-03-09. Review status: criteria provided, single submitter. Criteria: Invitae Variant Classification Sherloc (09022015). Collection method: clinical testing. Allele origin: germline.
Comment: This sequence change replaces arginine, which is basic and polar, with cysteine, which is neutral and slightly polar, at codon 990 of the POLD1 protein (p.Arg990Cys). This variant is not present in population databases (gnomAD no frequency). This variant has not been reported in the literature in individuals affected with POLD1-related conditions. ClinVar contains an entry for this variant (Variation ID: 537082). Invitae Evidence Modeling of protein sequence and biophysical properties (such as structural, functional, and spatial information, amino acid conservation, physicochemical variation, residue mobility, and thermodynamic stability) indicates that this missense variant is expected to disrupt POLD1 protein function with a positive predictive value of 80%. In summary, the available evidence is currently insufficient to determine the role of this variant in disease. Therefore, it has been classified as a Variant of Uncertain Significance.

Ambry Genetics
Classification: Uncertain significance for Hereditary cancer-predisposing syndrome. Last evaluated: 2024-11-08. Review status: criteria provided, single submitter. Criteria: Ambry Variant Classification Scheme 2023. Collection method: clinical testing. Allele origin: germline.
Comment: The p.R990C variant (also known as c.2968C>T), located in coding exon 23 of the POLD1 gene, results from a C to T substitution at nucleotide position 2968. The arginine at codon 990 is replaced by cysteine, an amino acid with highly dissimilar properties. This amino acid position is well conserved in available vertebrate species. In addition, the in silico prediction for this alteration is inconclusive. Based on the available evidence, the clinical significance of this variant remains unclear.

GeneDx
Classification: Uncertain significance. Last evaluated: 2024-02-14. Review status: criteria provided, single submitter. Criteria: GeneDx Variant Classification Process June 2021. Collection method: clinical testing. Allele origin: germline. Affected: yes.
Comment: Not observed at significant frequency in large population cohorts (gnomAD); In silico analysis supports that this missense variant has a deleterious effect on protein structure/function; This variant is associated with the following publications: (PMID: 35982160, 35982159)